The following is an entry in ClinVar:

NM_015135.3(NUP205):c.5938C>T (p.Leu1980=)

Gene: NUP205 (nucleoporin 205; plus strand). Cytogenetic location: 7q33.
Variant type: single nucleotide variant.
Coding change: c.5938C>T on transcript NM_015135.3 (MANE Select); coding-DNA position 5938, C replaced by T.
Protein change: p.Leu1980=; no amino-acid change (leucine 1980 retained).
Molecular consequence: synonymous variant.
Genome position (GRCh38, 1-based): chr7:135,648,455, C>T. VCF-style: chr7-135648455-C-T. GRCh37 (hg19) VCF-style: chr7-135333203-C-T.
Other names: c.4864C>T, p.Leu1622= (NM_001329434.2).
Identifiers: ClinVar variation 3050060 (VCV003050060.2), dbSNP rs758375178, ClinGen allele CA4499337.
Genomic context (GRCh38, chr7:135,648,455, plus strand): 5'-CACCGCTAGCTTCAGGCTGATGCAATCAACGCTTTTGGAGAATCACTACAAAAGAAACTT[C>T]TGGACATTGAAGGATTATATTCAAAAGTTCGATCTCGATATAGTTTCATACAGGCTCTTG-3'
Protein context (NP_055950.2, residues 1970-1990): AFGESLQKKL[Leu1980=]DIEGLYSKVR

ClinVar aggregate classification (germline): Likely benign (0 of 4 stars; one submission).

Conditions:
NUP205-related disorder. Also called: NUP205-related condition.

Allele frequency attached by ClinVar (database versions not stated): ExAC 0.00001; gnomAD 0.00001; gnomAD exomes 0.00001; TOPMed 0.00008.
gnomAD v4.1: 8 of 1,606,726 alleles (0.0005%); highest among the groups gnomAD compares: East Asian, 0.011%; no homozygotes.

Submission:

PreventionGenetics, part of Exact Sciences
Classification: Likely benign for NUP205-related condition. Last evaluated: 2024-02-09. Review status: no assertion criteria provided. Collection method: clinical testing. Allele origin: germline.
Comment: This variant is classified as likely benign based on ACMG/AMP sequence variant interpretation guidelines (Richards et al. 2015 PMID: 25741868, with internal and published modifications).